The following is an entry in ClinVar:

ClinVar aggregate classification (germline): Uncertain significance (1 of 4 stars; one submission).

Conditions:
Congenital myasthenic syndrome 18. Also called: MYASTHENIC SYNDROME, CONGENITAL, 18, WITH INTELLECTUAL DISABILITY AND ATAXIA. Identifiers: Orphanet 590, MedGen C4225364, MONDO:0014590, OMIM 616330.

Allele frequency attached by ClinVar (database versions not stated): gnomAD exomes below 0.00001; ExAC 0.00001.

Submission:

Labcorp Genetics (formerly Invitae), Labcorp
Classification: Uncertain significance for Congenital myasthenic syndrome 18. Last evaluated: 2022-07-14. Review status: criteria provided, single submitter. Criteria: Invitae Variant Classification Sherloc (09022015). Collection method: clinical testing. Allele origin: germline.
Comment: This variant has not been reported in the literature in individuals affected with SNAP25-related conditions. This sequence change replaces arginine, which is basic and polar, with glutamine, which is neutral and polar, at codon 16 of the SNAP25 protein (p.Arg16Gln). The frequency data for this variant in the population databases is considered unreliable, as metrics indicate poor data quality at this position in the gnomAD database. ClinVar contains an entry for this variant (Variation ID: 856211). Algorithms developed to predict the effect of missense changes on protein structure and function (SIFT, PolyPhen-2, Align-GVGD) all suggest that this variant is likely to be tolerated. In summary, the available evidence is currently insufficient to determine the role of this variant in disease. Therefore, it has been classified as a Variant of Uncertain Significance.

NM_130811.4(SNAP25):c.47G>A (p.Arg16Gln)

Gene: SNAP25 (synaptosome associated protein 25; plus strand). Cytogenetic location: 20p12.2.
Variant type: single nucleotide variant.
Coding change: c.47G>A on transcript NM_130811.4 (MANE Select); coding-DNA position 47, G replaced by A.
Protein change: p.Arg16Gln; replaces arginine 16 with glutamine.
Molecular consequence: missense variant.
Genome position (GRCh38, 1-based): chr20:10,275,538, G>A. VCF-style: chr20-10275538-G-A. GRCh37 (hg19) VCF-style: chr20-10256186-G-A.
Other names: c.47G>A, p.Arg16Gln (NM_001322902.2, NM_001322903.2, NM_001322904.2 and 7 more transcripts); short protein forms R16Q.
Identifiers: ClinVar variation 856211 (VCV000856211.9), dbSNP rs760339630, ClinGen allele CA9763243.